The following is an entry in ClinVar:

ClinVar aggregate classification (germline): Uncertain significance (1 of 4 stars; one submission).

Allele frequency attached by ClinVar (database versions not stated): ExAC 0.00001.

Submission:

GeneDx
Classification: Uncertain significance. Last evaluated: 2023-04-12. Review status: criteria provided, single submitter. Criteria: GeneDx Variant Classification Process June 2021. Collection method: clinical testing. Allele origin: germline. Affected: yes.
Comment: Not observed at significant frequency in large population cohorts (gnomAD); In silico analysis supports that this missense variant does not alter protein structure/function; Has not been previously published as pathogenic or benign to our knowledge

NM_177939.3(P4HTM):c.201C>A (p.Phe67Leu)

Genes: P4HTM (prolyl 4-hydroxylase, transmembrane; plus strand), LOC129936725 (ATAC-STARR-seq lymphoblastoid silent region 14344; plus strand). Cytogenetic location: 3p21.31.
Variant type: single nucleotide variant.
Coding change: c.201C>A on transcript NM_177939.3 (MANE Select); coding-DNA position 201, C replaced by A.
Protein change: p.Phe67Leu; replaces phenylalanine 67 with leucine.
Molecular consequence: missense variant.
Genome position (GRCh38, 1-based): chr3:48,990,457, C>A. VCF-style: chr3-48990457-C-A. GRCh37 (hg19) VCF-style: chr3-49027890-C-A.
Other names: c.201C>A, p.Phe67Leu (NM_177938.2); short protein forms F67L.
Identifiers: ClinVar variation 2662675 (VCV002662675.1), dbSNP rs764023987, ClinGen allele CA2388184.